The following is an entry in ClinVar:

ClinVar aggregate classification (germline): Likely benign. Review status: criteria provided, single submitter (1 of 4 stars). 2 submissions from 2 submitters: Likely benign (1). 1 of the submissions does not count toward it. Last evaluated 2025-05-13.

Conditions:
FOCAD-related disorder. Also called: FOCAD-related condition.

Allele frequency attached by ClinVar (database versions not stated): gnomAD exomes 0.00005; gnomAD 0.00055; 1000 Genomes Project 0.00040; ExAC 0.00020; 1000 Genomes Project 30x 0.00062; TOPMed 0.00055; ESP Exome Variant Server 0.00085.
gnomAD v4.1: 159 of 1,613,854 alleles (0.0099%); highest among the groups gnomAD compares: African/African-American, 0.19%; no homozygotes.

Submissions (2):

Labcorp Genetics (formerly Invitae), Labcorp
Classification: Likely benign. Last evaluated: 2025-05-13. Review status: criteria provided, single submitter. Criteria: Invitae Variant Classification Sherloc (09022015). Collection method: clinical testing. Allele origin: germline.

PreventionGenetics, part of Exact Sciences
Classification: Likely benign for FOCAD-related condition. Last evaluated: 2023-03-07. Review status: no assertion criteria provided. Collection method: clinical testing. Allele origin: germline. Not counted in ClinVar's aggregate classification.
Comment: This variant is classified as likely benign based on ACMG/AMP sequence variant interpretation guidelines (Richards et al. 2015 PMID: 25741868, with internal and published modifications).

NM_001375567.1(FOCAD):c.4386C>G (p.Thr1462=)

Gene: FOCAD (focadhesin; plus strand). Cytogenetic location: 9p21.3.
Variant type: single nucleotide variant.
Coding change: c.4386C>G on transcript NM_001375567.1 (MANE Select); coding-DNA position 4386, C replaced by G.
Protein change: p.Thr1462=; no amino-acid change (threonine 1462 retained).
Molecular consequence: synonymous variant.
Genome position (GRCh38, 1-based): chr9:20,981,434, C>G. VCF-style: chr9-20981434-C-G. GRCh37 (hg19) VCF-style: chr9-20981433-C-G.
Other names: c.4386C>G (NM_017794.4); c.4281C>G, p.Thr1427= (NM_001375568.1, NM_001375570.1); c.4386C>G, p.Thr1462= (NM_017794.5).
Identifiers: ClinVar variation 2888091 (VCV002888091.5), dbSNP rs143046233, ClinGen allele CA5007940.